The following is an entry in ClinVar:

NM_016492.5(RANGRF):c.194+1G>A

Genes: SLC25A35 (solute carrier family 25 member 35; minus strand), RANGRF (RAN guanine nucleotide release factor; plus strand). Cytogenetic location: 17p13.1.
Variant type: single nucleotide variant.
Coding change: c.194+1G>A on transcript NM_016492.5 (MANE Select); the canonical splice donor site of the intron after coding-DNA position 194, G replaced by A.
Molecular consequence: splice donor variant. On other transcripts: 3 prime UTR variant (2), non-coding transcript variant (2), intron variant (1).
Genome position (GRCh38, 1-based): chr17:8,289,073, G>A. VCF-style: chr17-8289073-G-A. GRCh37 (hg19) VCF-style: chr17-8192391-G-A.
Other names: c.*410C>T (NM_001320872.2); c.*543C>T (NM_201520.3); c.*42+501C>T (NM_001320871.2); c.194+1G>A (NM_001177802.2, NM_001177801.2, NM_001330127.2).
Identifiers: ClinVar variation 234699 (VCV000234699.4), dbSNP rs876661169, ClinGen allele CA10577580.

ClinVar aggregate classification (germline): Uncertain significance (1 of 4 stars; one submission).

Submission:

GeneDx
Classification: Uncertain significance. Last evaluated: 2016-01-26. Review status: criteria provided, single submitter. Criteria: GeneDx Variant Classification (06012015). Collection method: clinical testing. Allele origin: germline. Affected: yes.
Comment: The c.194+1G>A variant in the RANGRF gene has not been reported previously as a pathogenic variant nor as a benign variant, to our knowledge. This splice site variant destroys the canonical splice donor site in intron 2. It is predicted to cause abnormal gene splicing, either leading to an abnormal message that is subject to nonsense-mediated mRNA decay, or to an abnormal protein product if the message is used for protein translation. The c.194+1G>A variant was not observed in approximately 6,500 individuals of European and African American ancestry in the NHLBI Exome Sequencing Project, indicating it is not a common benign variant in these populations. We interpret c.194+1G>A as a variant of uncertain significance.